The following is an entry in ClinVar:

ClinVar aggregate classification (germline): Likely benign (1 of 4 stars; one submission).

Allele frequency attached by ClinVar (database versions not stated): 1000 Genomes Project 30x 0.00125; 1000 Genomes Project 0.00160; TOPMed 0.00298; ESP Exome Variant Server 0.00346; gnomAD 0.00415; ExAC 0.00499.

Submission:

CeGaT Center for Human Genetics Tuebingen
Classification: Likely benign. Last evaluated: 2024-02-01. Review status: criteria provided, single submitter. Criteria: CeGaT Center For Human Genetics Tuebingen Variant Classification Criteria Version 2. Collection method: clinical testing. Allele origin: germline. Affected: yes. Observed: 2 variant alleles.
Comment: MIA2: BP4, BS2

NM_001329214.4(MIA2):c.646C>T (p.Pro216Ser)

Gene: MIA2 (MIA SH3 domain ER export factor 2; plus strand). Cytogenetic location: 14q21.1.
Variant type: single nucleotide variant.
Coding change: c.646C>T on transcript NM_001329214.4 (MANE Select); coding-DNA position 646, C replaced by T.
Protein change: p.Pro216Ser; replaces proline 216 with serine.
Molecular consequence: missense variant.
Genome position (GRCh38, 1-based): chr14:39,247,220, C>T. VCF-style: chr14-39247220-C-T. GRCh37 (hg19) VCF-style: chr14-39716424-C-T.
Other names: c.646C>T, p.Pro216Ser (NM_054024.4); short protein forms P216S.
Identifiers: ClinVar variation 2644191 (VCV002644191.24), dbSNP rs79728805, ClinGen allele CA7163668.